The following is an entry in ClinVar:

ClinVar aggregate classification (germline): Uncertain significance. Review status: criteria provided, multiple submitters, no conflicts (2 of 4 stars). 2 submissions from 2 submitters: Uncertain significance (2). Last evaluated 2025-09-22.

Conditions:
MAGEL2-related disorder. Also called: MAGEL2-related condition.
Inborn genetic diseases. Identifiers: MedGen C0950123, MeSH D030342.

gnomAD v4.1: 1 of 1,613,918 alleles (0.000062%); highest among the groups gnomAD compares: Non-Finnish European, 0.000085%; no homozygotes.

Submissions (2):

PreventionGenetics, part of Exact Sciences
Classification: Uncertain significance for MAGEL2-related condition. Last evaluated: 2025-09-22. Review status: criteria provided, single submitter. Criteria: ACMG Guidelines, 2015. Collection method: clinical testing. Allele origin: germline.
Comment: The MAGEL2 c.3262A>G variant is predicted to result in the amino acid substitution p.Ile1088Val. To our knowledge, this variant has not been reported in the literature. This variant is reported in 0.00089% of alleles in individuals of European (Non-Finnish) descent in gnomAD. At this time, the clinical significance of this variant is uncertain due to the absence of conclusive functional and genetic evidence.

Ambry Genetics
Classification: Uncertain significance for Inborn genetic diseases. Last evaluated: 2024-05-02. Review status: criteria provided, single submitter. Criteria: Ambry Variant Classification Scheme 2023. Collection method: clinical testing. Allele origin: germline.

NM_019066.5(MAGEL2):c.3262A>G (p.Ile1088Val)

Gene: MAGEL2 (MAGE family member L2; minus strand). Cytogenetic location: 15q11.2.
Variant type: single nucleotide variant.
Coding change: c.3262A>G on transcript NM_019066.5 (MANE Select); coding-DNA position 3262, A replaced by G.
Protein change: p.Ile1088Val; replaces isoleucine 1088 with valine.
Molecular consequence: missense variant.
Genome position (GRCh38, 1-based): chr15:23,644,481, T>C on the plus strand (A>G on the coding strand, the complement: MAGEL2 is on the minus strand). VCF-style: chr15-23644481-T-C. GRCh37 (hg19) VCF-style: chr15-23889628-T-C.
Other names: short protein forms I1088V.
Identifiers: ClinVar variation 3292681 (VCV003292681.2).